The following is an entry in ClinVar:

ClinVar aggregate classification (germline): Conflicting classifications of pathogenicity. Review status: criteria provided, conflicting classifications (1 of 4 stars). 3 submissions from 3 submitters: Uncertain significance (1); Likely benign (2). Last evaluated 2025-03-17.

Conditions:
Congenital stationary night blindness 1F. Also called: Night blindness, congenital stationary (complete), 1F, autosomal recessive. Identifiers: Orphanet 215, MedGen C3554399, MONDO:0014026, OMIM 615058.

Allele frequency attached by ClinVar (database versions not stated): gnomAD 0.00003 and 0.00012; TOPMed 0.00003; 1000 Genomes Project 30x 0.00047; 1000 Genomes Project 0.00060.
gnomAD v4.1: 230 of 1,614,152 alleles (0.014%); highest among the groups gnomAD compares: South Asian, 0.22%; 1 homozygote.

Submissions (3):

Labcorp Genetics (formerly Invitae), Labcorp
Classification: Likely benign. Last evaluated: 2025-03-17. Review status: criteria provided, single submitter. Criteria: Invitae Variant Classification Sherloc (09022015). Collection method: clinical testing. Allele origin: germline.

Blueprint Genetics
Classification: Likely benign. Last evaluated: 2024-11-11. Review status: criteria provided, single submitter. Criteria: ACMG Guidelines, 2015. Collection method: clinical testing. Allele origin: germline.

Illumina Laboratory Services, Illumina
Classification: Uncertain significance for Congenital stationary night blindness 1F. Last evaluated: 2018-01-15. Review status: criteria provided, single submitter. Criteria: ICSL Variant Classification Criteria 13 December 2019. Collection method: clinical testing. Allele origin: germline.

NM_198506.5(LRIT3):c.733C>T (p.Arg245Trp)

Gene: LRIT3 (leucine rich repeat, Ig-like and transmembrane domains 3; plus strand). Cytogenetic location: 4q25.
Variant type: single nucleotide variant.
Coding change: c.733C>T on transcript NM_198506.5 (MANE Select); coding-DNA position 733, C replaced by T.
Protein change: p.Arg245Trp; replaces arginine 245 with tryptophan.
Molecular consequence: missense variant.
Genome position (GRCh38, 1-based): chr4:109,867,784, C>T. VCF-style: chr4-109867784-C-T. GRCh37 (hg19) VCF-style: chr4-110788940-C-T.
Other names: short protein forms R245W.
Identifiers: ClinVar variation 684455 (VCV000684455.14), dbSNP rs538101562, ClinGen allele CA3043054.